The following is an entry in ClinVar:

ClinVar aggregate classification (germline): Uncertain significance. Review status: criteria provided, multiple submitters, no conflicts (2 of 4 stars). 2 submissions from 2 submitters: Uncertain significance (2). Last evaluated 2021-09-01.

Conditions:
Developmental and epileptic encephalopathy, 12 (DEE12). Identifiers: MedGen C3150988, MONDO:0013389, OMIM 613722.

Allele frequency attached by ClinVar (database versions not stated): gnomAD 0.00001; gnomAD exomes 0.00001; TOPMed 0.00002.
gnomAD v4.1: 7 of 1,613,678 alleles (0.00043%); highest among the groups gnomAD compares: African/African-American, 0.0053%; no homozygotes.

Submissions (2):

Labcorp Genetics (formerly Invitae), Labcorp
Classification: Uncertain significance for Developmental and epileptic encephalopathy, 12. Last evaluated: 2021-09-01. Review status: criteria provided, single submitter. Criteria: Invitae Variant Classification Sherloc (09022015). Collection method: clinical testing. Allele origin: germline.
Comment: This sequence change replaces alanine with threonine at codon 290 of the PNKP protein (p.Ala290Thr). The alanine residue is highly conserved and there is a small physicochemical difference between alanine and threonine. This variant is not present in population databases (ExAC no frequency). This variant has not been reported in the literature in individuals affected with PNKP-related conditions. Algorithms developed to predict the effect of missense changes on protein structure and function (SIFT, PolyPhen-2, Align-GVGD) all suggest that this variant is likely to be disruptive. In summary, the available evidence is currently insufficient to determine the role of this variant in disease. Therefore, it has been classified as a Variant of Uncertain Significance.

GeneDx
Classification: Uncertain significance. Last evaluated: 2020-10-16. Review status: criteria provided, single submitter. Criteria: GeneDx Variant Classification Process June 2021. Collection method: clinical testing. Allele origin: germline. Affected: yes.
Comment: Not observed at a significant frequency in large population cohorts (Lek et al., 2016); In silico analysis supports that this missense variant has a deleterious effect on protein structure/function; Has not been previously published as pathogenic or benign to our knowledge

NM_007254.4(PNKP):c.868G>A (p.Ala290Thr)

Gene: PNKP (polynucleotide kinase 3'-phosphatase; minus strand). Cytogenetic location: 19q13.33.
Variant type: single nucleotide variant.
Coding change: c.868G>A on transcript NM_007254.4 (MANE Select); coding-DNA position 868, G replaced by A.
Protein change: p.Ala290Thr; replaces alanine 290 with threonine.
Molecular consequence: missense variant.
Genome position (GRCh38, 1-based): chr19:49,862,606, C>T on the plus strand (G>A on the coding strand, the complement: PNKP is on the minus strand). VCF-style: chr19-49862606-C-T. GRCh37 (hg19) VCF-style: chr19-50365863-C-T.
Other names: short protein forms A290T.
Identifiers: ClinVar variation 1313439 (VCV001313439.6), dbSNP rs1485940017, ClinGen allele CA406882195.